The following is an entry in ClinVar:

ClinVar aggregate classification (germline): Pathogenic (1 of 4 stars; one submission).

Conditions:
Familial cancer of breast. Also called: BREAST CANCER, FAMILIAL; hereditary breast carcinoma; Hereditary breast cancer. Identifiers: Orphanet 227535, MedGen C0346153, MONDO:0016419, OMIM 114480. Disease mechanism: loss of function.

Submission:

Labcorp Genetics (formerly Invitae), Labcorp
Classification: Pathogenic for Familial cancer of breast. Last evaluated: 2020-12-01. Review status: criteria provided, single submitter. Criteria: Invitae Variant Classification Sherloc (09022015). Collection method: clinical testing. Allele origin: germline.
Comment: For these reasons, this variant has been classified as Pathogenic. This variant has not been reported in the literature in individuals with BARD1-related conditions. This variant is not present in population databases (ExAC no frequency). This sequence change creates a premature translational stop signal (p.Ser391Valfs*11) in the BARD1 gene. It is expected to result in an absent or disrupted protein product. Loss-of-function variants in BARD1 are known to be pathogenic (PMID: 20077502, 21344236).

Literature cited by the submitters: PubMed 20077502; PubMed 21344236.

NM_000465.4(BARD1):c.1160_1164dup (p.Ser391fs)

Gene: BARD1 (BRCA1 associated RING domain 1; minus strand). Cytogenetic location: 2q35.
Variant type: Duplication.
Coding change: c.1160_1164dup on transcript NM_000465.4 (MANE Select); coding-DNA positions 1160 to 1164, 5 bases duplicated (TCATT; older notation c.1160_1164dupTCATT).
Protein change: p.Ser391fs; shifts the reading frame from serine 391.
Molecular consequence: frameshift variant. On other transcripts: non-coding transcript variant (2), intron variant (3).
Genome position (GRCh38, 1-based): chr2:214,780,710-214,780,714, AATGA duplicated on the plus strand (TCATT on the coding strand, the reverse complement: BARD1 is on the minus strand); duplicating any 5 consecutive bases within chr2:214,780,710-214,780,715 gives the same sequence; the c. name uses the placement nearest the transcript's 3' end. VCF-style (leftmost placement, unchanged base first): chr2-214780709-T-TAATGA. GRCh37 (hg19) VCF-style: chr2-215645433-T-TAATGA.
Other names: c.1103_1107dup, p.Ser372fs (NM_001282543.2); c.159-28159_159-28155dup (NM_001282548.2); c.215+16347_215+16351dup (NM_001282545.2); c.364+11583_364+11587dup (NM_001282549.2); short protein forms S372fs, S391fs.
Identifiers: ClinVar variation 1456660 (VCV001456660.7), dbSNP rs2106108347, ClinGen allele CA2573135145.